The following is an entry in ClinVar:

ClinVar aggregate classification (germline): Uncertain significance. Review status: criteria provided, multiple submitters, no conflicts (2 of 4 stars). 2 submissions from 2 submitters: Uncertain significance (2). Last evaluated 2021-12-17.

Conditions:
Hypertrophic cardiomyopathy. Also called: HYPERTROPHIC MYOCARDIOPATHY. Identifiers: Orphanet 217569, MedGen C0007194, MeSH D002312, MONDO:0005045, HP:0001639.

Submissions (2):

Labcorp Genetics (formerly Invitae), Labcorp
Classification: Uncertain significance for Hypertrophic cardiomyopathy. Last evaluated: 2021-12-17. Review status: criteria provided, single submitter. Criteria: Invitae Variant Classification Sherloc (09022015). Collection method: clinical testing. Allele origin: germline.
Comment: This variant is not present in population databases (gnomAD no frequency). This sequence change replaces glutamic acid, which is acidic and polar, with lysine, which is basic and polar, at codon 1603 of the MYOM1 protein (p.Glu1603Lys). This variant has not been reported in the literature in individuals affected with MYOM1-related conditions. In summary, the available evidence is currently insufficient to determine the role of this variant in disease. Therefore, it has been classified as a Variant of Uncertain Significance. Algorithms developed to predict the effect of missense changes on protein structure and function are either unavailable or do not agree on the potential impact of this missense change (SIFT: "Tolerated"; PolyPhen-2: "Probably Damaging"; Align-GVGD: "Class C0").

Ambry Genetics
Classification: Uncertain significance. Last evaluated: 2021-11-22. Review status: criteria provided, single submitter. Criteria: Ambry Variant Classification Scheme 2023. Collection method: clinical testing. Allele origin: germline.
Comment: The p.E1603K variant (also known as c.4807G>A), located in coding exon 37 of the MYOM1 gene, results from a G to A substitution at nucleotide position 4807. The glutamic acid at codon 1603 is replaced by lysine, an amino acid with similar properties. This amino acid position is conserved. In addition, this alteration is predicted to be deleterious by in silico analysis. Since supporting evidence is limited at this time, the clinical significance of this alteration remains unclear.

NM_003803.4(MYOM1):c.4807G>A (p.Glu1603Lys)

Gene: MYOM1 (myomesin 1; minus strand). Cytogenetic location: 18p11.31.
Variant type: single nucleotide variant.
Coding change: c.4807G>A on transcript NM_003803.4 (MANE Select); coding-DNA position 4807, G replaced by A.
Protein change: p.Glu1603Lys; replaces glutamic acid 1603 with lysine.
Molecular consequence: missense variant.
Genome position (GRCh38, 1-based): chr18:3,067,513, C>T on the plus strand (G>A on the coding strand, the complement: MYOM1 is on the minus strand). VCF-style: chr18-3067513-C-T. GRCh37 (hg19) VCF-style: chr18-3067511-C-T.
Other names: c.4519G>A, p.Glu1507Lys (NM_019856.2); short protein forms E1603K, E1507K.
Identifiers: ClinVar variation 1407932 (VCV001407932.8), dbSNP rs2143602854, ClinGen allele CA401705515.